The following is an entry in ClinVar:

NM_016030.6(TRAPPC12):c.1441C>A (p.Arg481Ser)

Gene: TRAPPC12 (trafficking protein particle complex subunit 12; plus strand). Cytogenetic location: 2p25.3.
Variant type: single nucleotide variant.
Coding change: c.1441C>A on transcript NM_016030.6 (MANE Select); coding-DNA position 1441, C replaced by A.
Protein change: p.Arg481Ser; replaces arginine 481 with serine.
Molecular consequence: missense variant.
Genome position (GRCh38, 1-based): chr2:3,443,802, C>A. VCF-style: chr2-3443802-C-A. GRCh37 (hg19) VCF-style: chr2-3447573-C-A.
Other names: c.1441C>A, p.Arg481Ser (NM_001321102.2); short protein forms R481S.
Identifiers: ClinVar variation 3328530 (VCV003328530.2).

ClinVar aggregate classification (germline): Uncertain significance. Review status: criteria provided, multiple submitters, no conflicts (2 of 4 stars). 2 submissions from 2 submitters: Uncertain significance (2). Last evaluated 2025-08-06.

Conditions:
TRAPPC12-related disorder. Also called: TRAPPC12-related condition.
Inborn genetic diseases. Identifiers: MedGen C0950123, MeSH D030342.

gnomAD v4.1: 4 of 1,613,988 alleles (0.00025%); highest among the groups gnomAD compares: Admixed American, 0.005%; no homozygotes.

Submissions (2):

PreventionGenetics, part of Exact Sciences
Classification: Uncertain significance for TRAPPC12-related condition. Last evaluated: 2025-08-06. Review status: criteria provided, single submitter. Criteria: ACMG Guidelines, 2015. Collection method: clinical testing. Allele origin: germline.
Comment: The TRAPPC12 c.1441C>A variant is predicted to result in the amino acid substitution p.Arg481Ser. To our knowledge, this variant has not been reported in the literature or in a large population database (gnomAD), indicating this variant is rare. At this time, the clinical significance of this variant is uncertain due to the absence of conclusive functional and genetic evidence.

Ambry Genetics
Classification: Uncertain significance for Inborn genetic diseases. Last evaluated: 2024-04-12. Review status: criteria provided, single submitter. Criteria: Ambry Variant Classification Scheme 2023. Collection method: clinical testing. Allele origin: germline.